The following is an entry in ClinVar:

NM_005045.4(RELN):c.3205A>G (p.Ile1069Val)

Gene: RELN (reelin; minus strand). Cytogenetic location: 7q22.1.
Variant type: single nucleotide variant.
Coding change: c.3205A>G on transcript NM_005045.4 (MANE Select); coding-DNA position 3205, A replaced by G.
Protein change: p.Ile1069Val; replaces isoleucine 1069 with valine.
Molecular consequence: missense variant.
Genome position (GRCh38, 1-based): chr7:103,603,432, T>C on the plus strand (A>G on the coding strand, the complement: RELN is on the minus strand). VCF-style: chr7-103603432-T-C. GRCh37 (hg19) VCF-style: chr7-103243879-T-C.
Other names: c.3205A>G, p.Ile1069Val (NM_173054.3); short protein forms I1069V.
Identifiers: ClinVar variation 934223 (VCV000934223.9), dbSNP rs963460771, ClinGen allele CA163949583.

ClinVar aggregate classification (germline): Uncertain significance (1 of 4 stars; one submission).

Conditions:
Norman-Roberts syndrome (LIS2). Also called: Lissencephaly 2 (Norman-Roberts type). Identifiers: Orphanet 89844, MedGen C0796089, MONDO:0009760, OMIM 257320.
Familial temporal lobe epilepsy 7. Identifiers: Orphanet 101046, MedGen C4225327, MONDO:0014639, OMIM 616436.

Allele frequency attached by ClinVar (database versions not stated): gnomAD exomes below 0.00001; TOPMed 0.00001.
gnomAD v4.1: 1 of 1,613,956 alleles (0.000062%); highest among the groups gnomAD compares: African/African-American, 0.0013%; no homozygotes.

Submission:

Labcorp Genetics (formerly Invitae), Labcorp
Classification: Uncertain significance for Familial temporal lobe epilepsy 7; Norman-Roberts syndrome. Last evaluated: 2026-01-09. Review status: criteria provided, single submitter. Criteria: Invitae Variant Classification Sherloc (09022015). Collection method: clinical testing. Allele origin: germline.
Comment: This sequence change replaces isoleucine, which is neutral and non-polar, with valine, which is neutral and non-polar, at codon 1069 of the RELN protein (p.Ile1069Val). This variant is not present in population databases (gnomAD no frequency). This variant has not been reported in the literature in individuals affected with RELN-related conditions. ClinVar contains an entry for this variant (Variation ID: 934223). Invitae Evidence Modeling of protein sequence and biophysical properties (such as structural, functional, and spatial information, amino acid conservation, physicochemical variation, residue mobility, and thermodynamic stability) indicates that this missense variant is not expected to disrupt RELN protein function with a negative predictive value of 80%. Algorithms developed to predict the effect of sequence changes on RNA splicing suggest that this variant may create or strengthen a splice site. In summary, the available evidence is currently insufficient to determine the role of this variant in disease. Therefore, it has been classified as a Variant of Uncertain Significance.